The following is an entry in ClinVar:

ClinVar aggregate classification (germline): Uncertain significance (1 of 4 stars; one submission).

Conditions:
Deficiency of alpha-mannosidase (MANSA). Also called: Mannosidosis, alpha-, types I and II; Alpha-Mannosidosis; LYSOSOMAL ALPHA-D-MANNOSIDASE DEFICIENCY. Identifiers: Orphanet 61, MedGen C0024748, MONDO:0009561, OMIM 248500.

Submission:

Labcorp Genetics (formerly Invitae), Labcorp
Classification: Uncertain significance for Deficiency of alpha-mannosidase. Last evaluated: 2022-06-01. Review status: criteria provided, single submitter. Criteria: Invitae Variant Classification Sherloc (09022015). Collection method: clinical testing. Allele origin: germline.
Comment: This variant has not been reported in the literature in individuals affected with MAN2B1-related conditions. In summary, the available evidence is currently insufficient to determine the role of this variant in disease. Therefore, it has been classified as a Variant of Uncertain Significance. Algorithms developed to predict the effect of missense changes on protein structure and function output the following: SIFT: "Tolerated"; PolyPhen-2: "Benign"; Align-GVGD: "Class C0". The isoleucine amino acid residue is found in multiple mammalian species, which suggests that this missense change does not adversely affect protein function. This variant is not present in population databases (gnomAD no frequency). This sequence change replaces valine, which is neutral and non-polar, with isoleucine, which is neutral and non-polar, at codon 536 of the MAN2B1 protein (p.Val536Ile).

NM_000528.4(MAN2B1):c.1606G>A (p.Val536Ile)

Gene: MAN2B1 (mannosidase alpha class 2B member 1; minus strand). Cytogenetic location: 19p13.13.
Variant type: single nucleotide variant.
Coding change: c.1606G>A on transcript NM_000528.4 (MANE Select); coding-DNA position 1606, G replaced by A.
Protein change: p.Val536Ile; replaces valine 536 with isoleucine.
Molecular consequence: missense variant.
Genome position (GRCh38, 1-based): chr19:12,656,609, C>T on the plus strand (G>A on the coding strand, the complement: MAN2B1 is on the minus strand). VCF-style: chr19-12656609-C-T. GRCh37 (hg19) VCF-style: chr19-12767423-C-T.
Other names: c.1603G>A, p.Val535Ile (NM_001173498.2); short protein forms V536I, V535I.
Identifiers: ClinVar variation 1933770 (VCV001933770.4), dbSNP rs2512499180, ClinGen allele CA404245602.